The following is an entry in ClinVar:

ClinVar aggregate classification (germline): Pathogenic (1 of 4 stars; one submission).

Conditions:
Hereditary hemochromatosis (HFE). Identifiers: MedGen C0392514, MONDO:0006507. Disease mechanism: loss of function.

Submission:

Labcorp Genetics (formerly Invitae), Labcorp
Classification: Pathogenic for Hereditary hemochromatosis. Last evaluated: 2023-04-17. Review status: criteria provided, single submitter. Criteria: Invitae Variant Classification Sherloc (09022015). Collection method: clinical testing. Allele origin: germline.
Comment: This sequence change creates a premature translational stop signal (p.Gln378Profs*65) in the TFR2 gene. It is expected to result in an absent or disrupted protein product. Loss-of-function variants in TFR2 are known to be pathogenic (PMID: 23600741, 26029709). This variant is not present in population databases (gnomAD no frequency). For these reasons, this variant has been classified as Pathogenic. This variant has not been reported in the literature in individuals affected with TFR2-related conditions.

Literature cited by the submitters: PubMed 23600741; PubMed 26029709.

NM_003227.4(TFR2):c.1132dup (p.Gln378fs)

Gene: TFR2 (transferrin receptor 2; minus strand). Cytogenetic location: 7q22.1.
Variant type: Duplication.
Coding change: c.1132dup on transcript NM_003227.4 (MANE Select); coding-DNA position 1132, one base duplicated (C; older notation c.1132dupC).
Protein change: p.Gln378fs; shifts the reading frame from glutamine 378.
Molecular consequence: frameshift variant.
Genome position (GRCh38, 1-based): chr7:100,631,027, G duplicated on the plus strand (C on the coding strand, the reverse complement: TFR2 is on the minus strand); the first of 6 consecutive G bases (chr7:100,631,027-100,631,032); duplicating any one gives the same sequence. VCF-style (leftmost placement, unchanged base first): chr7-100631026-T-TG. GRCh37 (hg19) VCF-style: chr7-100228649-T-TG.
Other names: c.619dup, p.Gln207fs (NM_001206855.3); short protein forms Q207fs, Q378fs.
Identifiers: ClinVar variation 3013755 (VCV003013755.3), dbSNP rs753747243, ClinGen allele CA2578963468.
Genomic context (GRCh38, chr7:100,631,026, plus strand): 5'-CGCAGTCGTGGCCCGGGGCCCAGGTGATAAGGGGAGCCTAGGAGGCTCCCCTGCCATTCT[T>TG]GGGGGGCCACAGGGCCTTTGAGCTTCCTGGAGAGGAGGAAGGCAGAAAGGGGGAAGTTGT-3'